The following is an entry in ClinVar:

ClinVar aggregate classification (germline): Uncertain significance (1 of 4 stars; one submission).

Conditions:
Fanconi anemia complementation group J. Also called: BRIP1-Related Fanconi Anemia. Identifiers: Orphanet 84, MedGen C1836860, MONDO:0012187, OMIM 609054.
Familial cancer of breast. Also called: BREAST CANCER, FAMILIAL; Hereditary breast cancer; hereditary breast carcinoma. Identifiers: Orphanet 227535, MedGen C0346153, MONDO:0016419, OMIM 114480. Disease mechanism: loss of function.

Submission:

Labcorp Genetics (formerly Invitae), Labcorp
Classification: Uncertain significance for Familial cancer of breast; Fanconi anemia complementation group J. Last evaluated: 2024-07-24. Review status: criteria provided, single submitter. Criteria: Invitae Variant Classification Sherloc (09022015). Collection method: clinical testing. Allele origin: germline.
Comment: This sequence change replaces leucine, which is neutral and non-polar, with glutamine, which is neutral and polar, at codon 347 of the BRIP1 protein (p.Leu347Gln). This variant is not present in population databases (gnomAD no frequency). This variant has not been reported in the literature in individuals affected with BRIP1-related conditions. Advanced modeling of protein sequence and biophysical properties (such as structural, functional, and spatial information, amino acid conservation, physicochemical variation, residue mobility, and thermodynamic stability) performed at Invitae indicates that this missense variant is not expected to disrupt BRIP1 protein function with a negative predictive value of 80%. In summary, the available evidence is currently insufficient to determine the role of this variant in disease. Therefore, it has been classified as a Variant of Uncertain Significance.

NM_032043.3(BRIP1):c.1040T>A (p.Leu347Gln)

Gene: BRIP1 (BRCA1 interacting DNA helicase 1; minus strand). Cytogenetic location: 17q23.2.
Variant type: single nucleotide variant.
Coding change: c.1040T>A on transcript NM_032043.3 (MANE Select); coding-DNA position 1040, T replaced by A.
Protein change: p.Leu347Gln; replaces leucine 347 with glutamine.
Molecular consequence: missense variant.
Genome position (GRCh38, 1-based): chr17:61,801,353, A>T on the plus strand (T>A on the coding strand, the complement: BRIP1 is on the minus strand). VCF-style: chr17-61801353-A-T. GRCh37 (hg19) VCF-style: chr17-59878714-A-T.
Other names: short protein forms L347Q.
Identifiers: ClinVar variation 3757372 (VCV003757372.2).
Genomic context (GRCh38, chr17:61,801,353, plus strand): 5'-CAAAATATGATGTCAGCATCTTGTATTAGTTCTCGGGCTGTGTAATATGGACAGGCCTTT[A>T]GTTTCTTCCCCAGGCTGACAAGTTCTTCTATATCCCAGGCTTTGCACATCCCTTGGAAAG-3'
Protein context (NP_114432.2, residues 337-357): IEELVSLGKK[Leu347Gln]KACPYYTARE